The following is an entry in ClinVar:

NM_006147.4(IRF6):c.859C>T (p.Gln287Ter)

Gene: IRF6 (interferon regulatory factor 6; minus strand). Cytogenetic location: 1q32.2.
Variant type: single nucleotide variant.
Coding change: c.859C>T on transcript NM_006147.4 (MANE Select); coding-DNA position 859, C replaced by T.
Protein change: p.Gln287Ter; replaces glutamine 287 with a stop codon.
Molecular consequence: nonsense.
Genome position (GRCh38, 1-based): chr1:209,790,696, G>A on the plus strand (C>T on the coding strand, the complement: IRF6 is on the minus strand). VCF-style: chr1-209790696-G-A. GRCh37 (hg19) VCF-style: chr1-209964041-G-A.
Other names: c.574C>T, p.Gln192Ter (NM_001206696.2); short protein forms Q287*, Q192*.
Identifiers: ClinVar variation 265199 (VCV000265199.3), dbSNP rs886039391, ClinGen allele CA10588276.

ClinVar aggregate classification (germline): Pathogenic/Likely pathogenic. Review status: criteria provided, multiple submitters, no conflicts (2 of 4 stars). 2 submissions from 2 submitters: Pathogenic (1); Likely pathogenic (1). Last evaluated 2024-05-23.

Conditions:
Van der Woude syndrome 1. Also called: CLEFT LIP AND/OR PALATE WITH MUCOUS CYSTS OF LOWER LIP; van der Woude Syndrome (VWS). Identifiers: MedGen C4551864, MONDO:0007333, OMIM 119300.
Orofacial cleft 6, susceptibility to (OFC6). Also called: CLEFT LIP WITH OR WITHOUT CLEFT PALATE, NONSYNDROMIC, 6. Identifiers: MedGen C1837213, MONDO:0012141, OMIM 608864.
Autosomal dominant popliteal pterygium syndrome. Also called: CLEFT LIP/PALATE, PARAMEDIAN MUCOUS CYSTS OF THE LOWER LIP, POPLITEAL PTERYGIUM, DIGITAL AND GENITAL ANOMALIES; FACIOGENITOPOPLITEAL SYNDROME; Popliteal Pterygium Syndrome (PPS). Identifiers: Orphanet 1300, MedGen C5848052, MONDO:0007334, OMIM 119500.

Submissions (2):

Fulgent Genetics
Classification: Likely pathogenic for Van der Woude syndrome 1; Autosomal dominant popliteal pterygium syndrome; Orofacial cleft 6, susceptibility to. Last evaluated: 2024-05-23. Review status: criteria provided, single submitter. Criteria: ACMG Guidelines, 2015. Collection method: clinical testing. Allele origin: germline.

GeneDx
Classification: Pathogenic. Last evaluated: 2016-07-15. Review status: criteria provided, single submitter. Criteria: GeneDx Variant Classification (06012015). Collection method: clinical testing. Allele origin: germline. Affected: yes.
Comment: The Q287X nonsense variant in the IRF6 gene is predicted to cause loss of normal protein function either through protein truncation or nonsense-mediated mRNA decay. The Q287X variant was not observed in approximately 6,500 individuals of European and African American ancestry in the NHLBI Exome Sequencing Project, indicating it is not a common benign variant in these populations. We consider Q287X to be a pathogenic variant.